The following is an entry in ClinVar:

ClinVar aggregate classification (germline): Pathogenic (1 of 4 stars; one submission).

Conditions:
Hypophosphatasia. Also called: Phosphoethanol-aminuria. Identifiers: Orphanet 436, MedGen C0020630, MeSH D007014, MONDO:0018570.

Submission:

Genomenon, Inc
Classification: Pathogenic for Hypophosphatasia. Last evaluated: 2026-09-01. Review status: criteria provided, single submitter. Criteria: Genomenon Sequence Variant Interpretation Standards - Updated. Collection method: curation. Allele origin: germline. Affected: yes.
Comment: ALPL p.His379Asn (c.1135C>A) is a missense variant that changes the amino acid at codon 379 from Histidine to Asparagine. This variant has been observed in at least one proband affected with an ALPL-related disorder (PMID:35498405). At least one functional study has demonstrated a substantial alteration in protein function relative to the wild-type (PMID:35498405). This variant is located in a mutational hotspot and/or important functional domain. It is absent or not present at a significant frequency in gnomAD. In silico models predict that this variant is possibly or probably damaging. In conclusion, we classify ALPL p.His379Asn (c.1135C>A) as a pathogenic variant.

Literature cited by the submitters: PubMed 35498405.

NM_000478.6(ALPL):c.1135C>A (p.His379Asn)

Gene: ALPL (alkaline phosphatase, biomineralization associated; plus strand). Cytogenetic location: 1p36.12.
Variant type: single nucleotide variant.
Coding change: c.1135C>A on transcript NM_000478.6 (MANE Select); coding-DNA position 1135, C replaced by A.
Protein change: p.His379Asn; replaces histidine 379 with asparagine.
Molecular consequence: missense variant.
Genome position (GRCh38, 1-based): chr1:21,575,870, C>A. VCF-style: chr1-21575870-C-A. GRCh37 (hg19) VCF-style: chr1-21902363-C-A.
Other names: c.970C>A, p.His324Asn (NM_001127501.4); c.904C>A, p.His302Asn (NM_001177520.3); c.1135C>A, p.His379Asn (NM_001369803.2, NM_001369804.2, NM_001369805.2); short protein forms H302N, H324N, H379N.
Identifiers: ClinVar variation 4086869 (VCV004086869.2).